The following is an entry in ClinVar:

ClinVar aggregate classification (germline): Pathogenic (1 of 4 stars; one submission).

Submission:

GeneDx
Classification: Pathogenic. Last evaluated: 2015-06-02. Review status: criteria provided, single submitter. Criteria: GeneDx Variant Classification (06012015). Collection method: clinical testing. Allele origin: germline. Affected: yes.
Comment: The Y88X nonsense variant in the FKRP gene is predicted to cause loss of normal protein function through protein truncation as the last 408 amino acids of the protein are lost. It was not observed in approximately 6,400 individuals of European and African American ancestry in the NHLBI Exome Sequencing Project, indicating it is not a common benignvariant in these populations. Therefore, Y88X is considered to be a pathogenic variant.

NM_024301.5(FKRP):c.264C>A (p.Tyr88Ter)

Gene: FKRP (fukutin related protein; plus strand). Cytogenetic location: 19q13.32.
Variant type: single nucleotide variant.
Coding change: c.264C>A on transcript NM_024301.5 (MANE Select); coding-DNA position 264, C replaced by A.
Protein change: p.Tyr88Ter; replaces tyrosine 88 with a stop codon.
Molecular consequence: nonsense.
Genome position (GRCh38, 1-based): chr19:46,755,714, C>A. VCF-style: chr19-46755714-C-A. GRCh37 (hg19) VCF-style: chr19-47258971-C-A.
Other names: c.264C>A, p.Tyr88Ter (NM_001039885.3); short protein forms Y88*.
Identifiers: ClinVar variation 379887 (VCV000379887.2), dbSNP rs1057520771, ClinGen allele CA16607857.
Genomic context (GRCh38, chr19:46,755,714, plus strand): 5'-CTCCTTCCTGCAGCAAGACCCAGCCCAGCCCGTGGTGGTGGCAGCCGACACGCTCCCCTA[C>A]CCGCCCCTGGCCCTGCCCCGCATCCCCAACGTGCGTCTGGCGCTGCTCCAGCCCGCCCTG-3'